The following is an entry in ClinVar:

NM_002335.4(LRP5):c.796C>A (p.Arg266Ser)

Gene: LRP5 (LDL receptor related protein 5; plus strand). Cytogenetic location: 11q13.2.
Variant type: single nucleotide variant.
Coding change: c.796C>A on transcript NM_002335.4 (MANE Select); coding-DNA position 796, C replaced by A.
Protein change: p.Arg266Ser; replaces arginine 266 with serine.
Molecular consequence: missense variant. On other transcripts: 5 prime UTR variant (1).
Genome position (GRCh38, 1-based): chr11:68,363,856, C>A. VCF-style: chr11-68363856-C-A. GRCh37 (hg19) VCF-style: chr11-68131324-C-A.
Other names: c.-970C>A (NM_001291902.2); short protein forms R266S.
Identifiers: ClinVar variation 958099 (VCV000958099.9), dbSNP rs368484557, ClinGen allele CA381611132.

ClinVar aggregate classification (germline): Uncertain significance (1 of 4 stars; one submission).

Submission:

Labcorp Genetics (formerly Invitae), Labcorp
Classification: Uncertain significance. Last evaluated: 2019-10-16. Review status: criteria provided, single submitter. Criteria: Invitae Variant Classification Sherloc (09022015). Collection method: clinical testing. Allele origin: germline.
Comment: This variant has not been reported in the literature in individuals with LRP5-related conditions. This variant is not present in population databases (ExAC no frequency). This sequence change replaces arginine with serine at codon 266 of the LRP5 protein (p.Arg266Ser). The arginine residue is highly conserved and there is a moderate physicochemical difference between arginine and serine. Algorithms developed to predict the effect of missense changes on protein structure and function (SIFT, PolyPhen-2, Align-GVGD) all suggest that this variant is likely to be tolerated, but these predictions have not been confirmed by published functional studies and their clinical significance is uncertain. In summary, the available evidence is currently insufficient to determine the role of this variant in disease. Therefore, it has been classified as a Variant of Uncertain Significance.